The following is an entry in ClinVar:

NM_005006.7(NDUFS1):c.1098A>C (p.Leu366Phe)

Gene: NDUFS1 (NADH:ubiquinone oxidoreductase core subunit S1; minus strand). Cytogenetic location: 2q33.3.
Variant type: single nucleotide variant.
Coding change: c.1098A>C on transcript NM_005006.7 (MANE Select); coding-DNA position 1098, A replaced by C.
Protein change: p.Leu366Phe; replaces leucine 366 with phenylalanine.
Molecular consequence: missense variant.
Genome position (GRCh38, 1-based): chr2:206,142,721, T>G on the plus strand (A>C on the coding strand, the complement: NDUFS1 is on the minus strand). VCF-style: chr2-206142721-T-G. GRCh37 (hg19) VCF-style: chr2-207007445-T-G.
Other names: c.990A>C, p.Leu330Phe (NM_001199981.2); c.765A>C, p.Leu255Phe (NM_001199982.2); c.927A>C, p.Leu309Phe (NM_001199983.2); c.1140A>C, p.Leu380Phe (NM_001199984.2); short protein forms L255F, L330F, L309F, L366F, L380F.
Identifiers: ClinVar variation 1921847 (VCV001921847.5), dbSNP rs1341635235, ClinGen allele CA350053146.

ClinVar aggregate classification (germline): Uncertain significance (1 of 4 stars; one submission).

Allele frequency attached by ClinVar (database versions not stated): gnomAD exomes below 0.00001.

Submission:

Labcorp Genetics (formerly Invitae), Labcorp
Classification: Uncertain significance. Last evaluated: 2024-02-24. Review status: criteria provided, single submitter. Criteria: Invitae Variant Classification Sherloc (09022015). Collection method: clinical testing. Allele origin: germline.
Comment: This sequence change replaces leucine, which is neutral and non-polar, with phenylalanine, which is neutral and non-polar, at codon 366 of the NDUFS1 protein (p.Leu366Phe). This variant is present in population databases (no rsID available, gnomAD 0.003%). This variant has not been reported in the literature in individuals affected with NDUFS1-related conditions. ClinVar contains an entry for this variant (Variation ID: 1921847). Advanced modeling of protein sequence and biophysical properties (such as structural, functional, and spatial information, amino acid conservation, physicochemical variation, residue mobility, and thermodynamic stability) performed at Invitae indicates that this missense variant is not expected to disrupt NDUFS1 protein function with a negative predictive value of 80%. In summary, the available evidence is currently insufficient to determine the role of this variant in disease. Therefore, it has been classified as a Variant of Uncertain Significance.